The following is an entry in ClinVar:

NM_052947.4(ALPK2):c.5655G>T (p.Gln1885His)

Gene: ALPK2 (alpha kinase 2; minus strand). Cytogenetic location: 18q21.31.
Variant type: single nucleotide variant.
Coding change: c.5655G>T on transcript NM_052947.4 (MANE Select); coding-DNA position 5655, G replaced by T.
Protein change: p.Gln1885His; replaces glutamine 1885 with histidine.
Molecular consequence: missense variant.
Genome position (GRCh38, 1-based): chr18:58,523,816, C>A on the plus strand (G>T on the coding strand, the complement: ALPK2 is on the minus strand). VCF-style: chr18-58523816-C-A. GRCh37 (hg19) VCF-style: chr18-56191048-C-A.
Other names: short protein forms Q1885H.
Identifiers: ClinVar variation 1748891 (VCV001748891.2), dbSNP rs2518866626, ClinGen allele CA402550469.
Genomic context (GRCh38, chr18:58,523,816, plus strand): 5'-GCTTTACAGTAAGCCCATTTCCTCTGGCAGGTCAACCCTAACTGACTTACCTTTAGTATC[C>A]TGGCGACTTGACAGCTGTTTGAGAACTAGAAGAAGACAAAGCAGAGAATGGCTTCAGTAC-3'
Protein context (NP_443179.3, residues 1875-1895): AEVLKQLSSR[Gln1885His]DTKGCEEIEF

ClinVar aggregate classification (germline): Uncertain significance (1 of 4 stars; one submission).

Submission:

Ambry Genetics
Classification: Uncertain significance. Last evaluated: 2021-08-21. Review status: criteria provided, single submitter. Criteria: Ambry Variant Classification Scheme 2023. Collection method: clinical testing. Allele origin: germline.
Comment: The p.Q1885H variant (also known as c.5655G>T), located in coding exon 7 of the ALPK2 gene, results from a G to T substitution at nucleotide position 5655. The glutamine at codon 1885 is replaced by histidine, an amino acid with highly similar properties. This amino acid position is conserved. In addition, this alteration is predicted to be tolerated by in silico analysis. Since supporting evidence is limited at this time, the clinical significance of this alteration remains unclear.